The following is an entry in ClinVar:

NM_004385.5(VCAN):c.2404A>G (p.Lys802Glu)

Gene: VCAN (versican; plus strand). Cytogenetic location: 5q14.3.
Variant type: single nucleotide variant.
Coding change: c.2404A>G on transcript NM_004385.5 (MANE Select); coding-DNA position 2404, A replaced by G.
Protein change: p.Lys802Glu; replaces lysine 802 with glutamic acid.
Molecular consequence: missense variant. On other transcripts: intron variant (2).
Genome position (GRCh38, 1-based): chr5:83,520,710, A>G. VCF-style: chr5-83520710-A-G. GRCh37 (hg19) VCF-style: chr5-82816529-A-G.
Other names: c.2404A>G, p.Lys802Glu (NM_001164098.2); c.1042+8314A>G (NM_001164097.2, NM_001126336.3); short protein forms K802E.
Identifiers: ClinVar variation 2900449 (VCV002900449.3), dbSNP rs564438765, ClinGen allele CA3332837.

ClinVar aggregate classification (germline): Uncertain significance (1 of 4 stars; one submission).

Allele frequency attached by ClinVar (database versions not stated): gnomAD 0.00001; gnomAD exomes 0.00002; ExAC 0.00007; 1000 Genomes Project 30x 0.00016; 1000 Genomes Project 0.00020.
gnomAD v4.1: 36 of 1,614,172 alleles (0.0022%); highest among the groups gnomAD compares: South Asian, 0.035%; no homozygotes.

Submission:

Labcorp Genetics (formerly Invitae), Labcorp
Classification: Uncertain significance. Last evaluated: 2023-08-23. Review status: criteria provided, single submitter. Criteria: Invitae Variant Classification Sherloc (09022015). Collection method: clinical testing. Allele origin: germline.
Comment: In summary, the available evidence is currently insufficient to determine the role of this variant in disease. Therefore, it has been classified as a Variant of Uncertain Significance. An algorithm developed to predict the effect of missense changes on protein structure and function (PolyPhen-2) suggests that this variant is likely to be disruptive. This variant has not been reported in the literature in individuals affected with VCAN-related conditions. This variant is present in population databases (rs564438765, gnomAD 0.05%), and has an allele count higher than expected for a pathogenic variant. This sequence change replaces lysine, which is basic and polar, with glutamic acid, which is acidic and polar, at codon 802 of the VCAN protein (p.Lys802Glu).